The following is an entry in ClinVar:

NM_024408.4(NOTCH2):c.5218C>A (p.Leu1740Ile)

Gene: NOTCH2 (notch receptor 2; minus strand). Cytogenetic location: 1p12.
Variant type: single nucleotide variant.
Coding change: c.5218C>A on transcript NM_024408.4 (MANE Select); coding-DNA position 5218, C replaced by A.
Protein change: p.Leu1740Ile; replaces leucine 1740 with isoleucine.
Molecular consequence: missense variant.
Genome position (GRCh38, 1-based): chr1:119,921,805, G>T on the plus strand (C>A on the coding strand, the complement: NOTCH2 is on the minus strand). VCF-style: chr1-119921805-G-T. GRCh37 (hg19) VCF-style: chr1-120464428-G-T.
Other names: short protein forms L1740I.
Identifiers: ClinVar variation 290858 (VCV000290858.15), dbSNP rs747138507, ClinGen allele CA1039686.
Genomic context (GRCh38, chr1:119,921,805, plus strand): 5'-CGACCCAGTGTTCACTTGTTCCAGTACCAATTAGGTTAGCTTCTGAGACTTGCACTGAGA[G>T]ATTTCTAATATGATTATAAAAAGAAAAAATAAGAATGGCAGTCATAAACTAATACAGTGG-3'
Protein context (NP_077719.2, residues 1730-1750): VGQDAVGLKN[Leu1740Ile]SVQVSEANLI

ClinVar aggregate classification (germline): Conflicting classifications of pathogenicity. Review status: criteria provided, conflicting classifications (1 of 4 stars). 3 submissions from 3 submitters: Uncertain significance (2); Likely benign (1). Last evaluated 2026-05-08.

Conditions:
Hajdu-Cheney syndrome (HJCYS). Also called: ACROOSTEOLYSIS WITH OSTEOPOROSIS AND CHANGES IN SKULL AND MANDIBLE; SERPENTINE FIBULA-POLYCYSTIC KIDNEY SYNDROME; Acroosteolysis dominant type. Identifiers: Orphanet 955, MedGen C0917715, MONDO:0007057, OMIM 102500.
NOTCH2-related disorder. Also called: NOTCH2-related condition.

Allele frequency attached by ClinVar (database versions not stated): ExAC 0.00001; gnomAD exomes 0.00001 and 0.00011; gnomAD 0.00004; TOPMed 0.00004.
gnomAD v4.1: 173 of 1,610,904 alleles (0.011%); highest among the groups gnomAD compares: Non-Finnish European, 0.014%; no homozygotes.

Submissions (3):

PreventionGenetics, part of Exact Sciences
Classification: Uncertain significance for NOTCH2-related condition. Last evaluated: 2026-05-08. Review status: criteria provided, single submitter. Criteria: ACMG Guidelines, 2015. Collection method: clinical testing. Allele origin: germline.
Comment: The NOTCH2 c.5218C>A variant is predicted to result in the amino acid substitution p.Leu1740Ile. To our knowledge, this variant has not been reported in the literature. This variant is reported in 0.0040% of alleles in individuals of African descent in gnomAD. At this time, the clinical significance of this variant is uncertain due to the absence of conclusive functional and genetic evidence.

Labcorp Genetics (formerly Invitae), Labcorp
Classification: Likely benign for Hajdu-Cheney syndrome. Last evaluated: 2024-12-11. Review status: criteria provided, single submitter. Criteria: Invitae Variant Classification Sherloc (09022015). Collection method: clinical testing. Allele origin: germline.

Eurofins Ntd Llc (ga)
Classification: Uncertain significance. Last evaluated: 2018-02-15. Review status: criteria provided, single submitter. Criteria: EGL ClinVar v180209 classification definitions. Collection method: clinical testing. Allele origin: germline. Observed: 2 variant alleles, 2 heterozygotes.